The following is an entry in ClinVar:

NM_002474.3(MYH11):c.5052C>T (p.Ser1684=)

Genes: MYH11 (myosin heavy chain 11; minus strand), NDE1 (nudE neurodevelopment protein 1; plus strand). Cytogenetic location: 16p13.11.
Variant type: single nucleotide variant.
Coding change: c.5052C>T on transcript NM_002474.3 (MANE Select); coding-DNA position 5052, C replaced by T.
Protein change: p.Ser1684=; no amino-acid change (serine 1684 retained).
Molecular consequence: synonymous variant. On other transcripts: intron variant (2).
Genome position (GRCh38, 1-based): chr16:15,719,615, G>A on the plus strand (C>T on the coding strand, the complement: MYH11 is on the minus strand). VCF-style: chr16-15719615-G-A. GRCh37 (hg19) VCF-style: chr16-15813472-G-A.
Other names: c.5073C>T, p.Ser1691= (NM_001040113.2, NM_001040114.2); c.5052C>T, p.Ser1684= (NM_022844.3); c.948-4576G>A (NM_001143979.2, NM_017668.3); c.5052C>T (NM_002474.2).
Identifiers: ClinVar variation 629552 (VCV000629552.14), dbSNP rs760908992, ClinGen allele CA7921464.

ClinVar aggregate classification (germline): Likely benign. Review status: criteria provided, multiple submitters, no conflicts (2 of 4 stars). 4 submissions from 4 submitters: Likely benign (4). Last evaluated 2026-01-19.

Conditions:
Aortic aneurysm, familial thoracic 4 (AAT4). Also called: AORTIC ANEURYSM/AORTIC DISSECTION AND PATENT DUCTUS ARTERIOSUS. Identifiers: MedGen C1851504, MONDO:0007568, OMIM 132900.
Familial thoracic aortic aneurysm and aortic dissection (TAAD). Also called: Thoracic aortic aneurysms and dissections. Identifiers: Orphanet 91387, MedGen C4707243, MONDO:0019625.

Allele frequency attached by ClinVar (database versions not stated): TOPMed 0.00002.
gnomAD v4.1: 24 of 1,614,074 alleles (0.0015%); highest among the groups gnomAD compares: Admixed American, 0.033%; 1 homozygote.

Submissions (4):

Labcorp Genetics (formerly Invitae), Labcorp
Classification: Likely benign for Aortic aneurysm, familial thoracic 4. Last evaluated: 2026-01-19. Review status: criteria provided, single submitter. Criteria: Invitae Variant Classification Sherloc (09022015). Collection method: clinical testing. Allele origin: germline.

Ambry Genetics
Classification: Likely benign for Familial thoracic aortic aneurysm and aortic dissection. Last evaluated: 2024-10-08. Review status: criteria provided, single submitter. Criteria: Ambry Variant Classification Scheme 2023. Collection method: clinical testing. Allele origin: germline.

All of Us Research Program, National Institutes of Health
Classification: Likely benign for Familial thoracic aortic aneurysm and aortic dissection. Last evaluated: 2024-04-25. Review status: criteria provided, single submitter. Criteria: ACMG Guidelines, 2015. Collection method: clinical testing. Allele origin: germline. Inheritance: Autosomal dominant inheritance. Observed: 2 variant alleles, 2 heterozygotes.
Comment: This study involves interpretation of variants in research participants for the purpose of population health screening. Participant phenotype was not available at the time of variant classification. Additional details can be found in publication PMID: 35346344, PMCID: PMC8962531

Color Diagnostics, LLC DBA Color Health
Classification: Likely benign for Familial thoracic aortic aneurysm and aortic dissection. Last evaluated: 2018-10-16. Review status: criteria provided, single submitter. Criteria: ACMG Guidelines, 2015. Collection method: clinical testing. Allele origin: germline.